The following is an entry in ClinVar:

NM_004006.3(DMD):c.9085-15497G>C

Gene: DMD (dystrophin; minus strand). Cytogenetic location: Xp21.2.
Variant type: single nucleotide variant.
Coding change: c.9085-15497G>C on transcript NM_004006.3 (MANE Select); 15497 bases into the intron before coding-DNA position 9085, G replaced by C.
Molecular consequence: intron variant.
Genome position (GRCh38, 1-based): chrX:31,364,131, C>G on the plus strand (G>C on the coding strand, the complement: DMD is on the minus strand). VCF-style: chrX-31364131-C-G. GRCh37 (hg19) VCF-style: chrX-31382248-C-G.
Other names: c.9061-15497G>C (NM_000109.4); c.5062-15497G>C (NM_004011.4); c.5053-15497G>C (NM_004012.4); c.1705-15497G>C (NM_004023.3, NM_004020.4, NM_004022.3 and 2 more transcripts); c.898-15497G>C (NM_004014.3); c.9073-15497G>C (NM_004009.3); c.8716-15497G>C (NM_004010.3).
Identifiers: ClinVar variation 679815 (VCV000679815.2), dbSNP rs73466395, ClinGen allele CA222528.

ClinVar aggregate classification (germline): Likely benign. Review status: criteria provided, single submitter (1 of 4 stars). 2 submissions from 2 submitters: Likely benign (1). 1 of the submissions does not count toward it. Last evaluated 2018-06-16.

Conditions:
Duchenne muscular dystrophy (DMD). Also called: MUSCULAR DYSTROPHY, PSEUDOHYPERTROPHIC PROGRESSIVE, DUCHENNE TYPE; Duchenne Muscular Dystrophy (DMD). Identifiers: Orphanet 98896, MedGen C0013264, MONDO:0010679, OMIM 310200.
Dystrophin deficiency.
Becker muscular dystrophy (BMD). Also called: MUSCULAR DYSTROPHY, PSEUDOHYPERTROPHIC PROGRESSIVE, BECKER TYPE; Becker Muscular Dystrophy (BMD). Identifiers: Orphanet 98895, MedGen C0917713, MONDO:0010311, OMIM 300376.
Cardiomyopathy (CMYO). Also called: Cardiomyopathies. Identifiers: Orphanet 167848, MedGen C0878544, MONDO:0004994, HP:0001638. Inheritance: Various modes of inheritance.

Allele frequency attached by ClinVar (database versions not stated): 1000 Genomes Project 30x 0.01103; 1000 Genomes Project 0.01113; gnomAD 0.01178 and 0.01272; TOPMed 0.01342.
gnomAD v4.1: 1,316 of 112,793 alleles (1.2%); highest among the groups gnomAD compares: African/African-American, 4%; 14 homozygotes.

Submissions (2):

GeneDx
Classification: Likely benign. Last evaluated: 2018-06-16. Review status: criteria provided, single submitter. Criteria: GeneDx Variant Classification (06012015). Collection method: clinical testing. Allele origin: germline. Affected: yes.
Comment: This variant is considered likely benign or benign based on one or more of the following criteria: it is a conservative change, it occurs at a poorly conserved position in the protein, it is predicted to be benign by multiple in silico algorithms, and/or has population frequency not consistent with disease.

Natera, Inc.
Classification: Likely benign for Becker muscular dystrophy; Cardiomyopathy; Duchenne muscular dystrophy; Dystrophin deficiency. Last evaluated: 2020-01-13. Review status: no assertion criteria provided. Collection method: clinical testing. Allele origin: germline. Not counted in ClinVar's aggregate classification.